The following is an entry in ClinVar:

ClinVar aggregate classification (germline): Uncertain significance (1 of 4 stars; one submission).

Conditions:
Hereditary cancer-predisposing syndrome. Also called: Tumor predisposition; Neoplastic Syndromes, Hereditary; Hereditary neoplastic syndrome; Hereditary Cancer Syndrome. Identifiers: Orphanet 140162, MedGen C0027672, MeSH D009386, MONDO:0015356.

Submission:

Ambry Genetics
Classification: Uncertain significance for Hereditary cancer-predisposing syndrome. Last evaluated: 2024-08-27. Review status: criteria provided, single submitter. Criteria: Ambry Variant Classification Scheme 2023. Collection method: clinical testing. Allele origin: germline.
Comment: The p.M560R variant (also known as c.1679T>G), located in coding exon 8 of the BARD1 gene, results from a T to G substitution at nucleotide position 1679. The methionine at codon 560 is replaced by arginine, an amino acid with similar properties. This amino acid position is conserved. In addition, the in silico prediction for this alteration is inconclusive. Based on the available evidence, the clinical significance of this variant remains unclear.

NM_000465.4(BARD1):c.1679T>G (p.Met560Arg)

Gene: BARD1 (BRCA1 associated RING domain 1; minus strand). Cytogenetic location: 2q35.
Variant type: single nucleotide variant.
Coding change: c.1679T>G on transcript NM_000465.4 (MANE Select); coding-DNA position 1679, T replaced by G.
Protein change: p.Met560Arg; replaces methionine 560 with arginine.
Molecular consequence: missense variant. On other transcripts: non-coding transcript variant (3), intron variant (1).
Genome position (GRCh38, 1-based): chr2:214,745,853, A>C on the plus strand (T>G on the coding strand, the complement: BARD1 is on the minus strand). VCF-style: chr2-214745853-A-C. GRCh37 (hg19) VCF-style: chr2-215610577-A-C.
Other names: c.1622T>G, p.Met541Arg (NM_001282543.2); c.326T>G, p.Met109Arg (NM_001282545.2); c.269T>G, p.Met90Arg (NM_001282548.2); c.365-15345T>G (NM_001282549.2); short protein forms M109R, M90R, M541R, M560R.
Identifiers: ClinVar variation 3479716 (VCV003479716.1).